The following is an entry in ClinVar:

NM_017763.6(RNF43):c.2056C>T (p.Pro686Ser)

Gene: RNF43 (ring finger protein 43; minus strand). Cytogenetic location: 17q22.
Variant type: single nucleotide variant.
Coding change: c.2056C>T on transcript NM_017763.6 (MANE Select); coding-DNA position 2056, C replaced by T.
Protein change: p.Pro686Ser; replaces proline 686 with serine.
Molecular consequence: missense variant.
Genome position (GRCh38, 1-based): chr17:58,357,720, G>A on the plus strand (C>T on the coding strand, the complement: RNF43 is on the minus strand). VCF-style: chr17-58357720-G-A. GRCh37 (hg19) VCF-style: chr17-56435081-G-A.
Other names: c.2056C>T, p.Pro686Ser (NM_001305544.3, NM_001438820.1, NM_001438821.1 and 1 more transcripts); c.1675C>T, p.Pro559Ser (NM_001305545.2, NM_001437987.1); short protein forms P686S, P559S.
Identifiers: ClinVar variation 4155743 (VCV004155743.1).

ClinVar aggregate classification (germline): Uncertain significance (1 of 4 stars; one submission).

gnomAD v4.1: 3 of 1,611,704 alleles (0.00019%); highest among the groups gnomAD compares: Non-Finnish European, 0.00025%; no homozygotes.

Submission:

Ambry Genetics
Classification: Uncertain significance. Last evaluated: 2025-07-12. Review status: criteria provided, single submitter. Criteria: Ambry Variant Classification Scheme 2023. Collection method: clinical testing. Allele origin: germline.
Comment: The p.P686S variant (also known as c.2056C>T), located in coding exon 8 of the RNF43 gene, results from a C to T substitution at nucleotide position 2056. The proline at codon 686 is replaced by serine, an amino acid with similar properties. This amino acid position is conserved. In addition, this alteration is predicted to be tolerated by in silico analysis. Based on the available evidence, the clinical significance of this variant remains unclear.